The following is an entry in ClinVar:

NM_004036.5(ADCY3):c.1674C>T (p.Pro558=)

Gene: ADCY3 (adenylate cyclase 3; minus strand). Cytogenetic location: 2p23.3.
Variant type: single nucleotide variant.
Coding change: c.1674C>T on transcript NM_004036.5 (MANE Select); coding-DNA position 1674, C replaced by T.
Protein change: p.Pro558=; no amino-acid change (proline 558 retained).
Molecular consequence: synonymous variant.
Genome position (GRCh38, 1-based): chr2:24,834,925, G>A on the plus strand (C>T on the coding strand, the complement: ADCY3 is on the minus strand). VCF-style: chr2-24834925-G-A. GRCh37 (hg19) VCF-style: chr2-25057794-G-A.
Other names: c.1674C>T, p.Pro558= (NM_001320613.2, NM_001377129.1, NM_001377130.1 and 1 more transcripts); c.1740C>T, p.Pro580= (NM_001377128.1); c.951C>T, p.Pro317= (NM_001377131.1).
Identifiers: ClinVar variation 4990223 (VCV004990223.1).
Genomic context (GRCh38, chr2:24,834,925, plus strand): 5'-ATCCACCACTCGGTCAGCCAGGTCCTGCAGGCGCAGCCTCCGGCGTGGGTTGGGGAATGA[G>A]GGGTTGTCGGCCTGTGAGCCAGGGAGGCAGCGTGAGTGGGGCAGATGGGACAGAGTGGTG-3'
Protein context (NP_004027.2, residues 548-568): PEEQDAQADN[Pro558=]SFPNPRRRLR

ClinVar aggregate classification (germline): Likely benign (1 of 4 stars; one submission).

Conditions:
ADCY3-related disorder. Also called: ADCY3-related condition.

gnomAD v4.1: 1 of 1,613,552 alleles (0.000062%); highest among the groups gnomAD compares: Admixed American, 0.0017%; no homozygotes.

Submission:

PreventionGenetics, part of Exact Sciences
Classification: Likely benign for ADCY3-related condition. Last evaluated: 2026-01-05. Review status: criteria provided, single submitter. Criteria: ACMG Guidelines, 2015. Collection method: clinical testing. Allele origin: germline.
Comment: This variant is classified as likely benign based on ACMG/AMP sequence variant interpretation guidelines (Richards et al. 2015 PMID: 25741868, with internal and published modifications).